The following is an entry in ClinVar:

ClinVar aggregate classification (germline): Benign/Likely benign. Review status: criteria provided, multiple submitters, no conflicts (2 of 4 stars). 8 submissions from 8 submitters: Benign (3); Likely benign (5). Last evaluated 2026-02-01.

Conditions:
Sitosterolemia 1. Identifiers: MedGen C2749759, MONDO:0020747, OMIM 210250.
Cardiovascular phenotype. Identifiers: MedGen CN230736.

Allele frequency attached by ClinVar (database versions not stated): gnomAD exomes 0.00169; ExAC 0.00223; gnomAD 0.00629 and 0.00675; 1000 Genomes Project 0.00679; 1000 Genomes Project 30x 0.00687; TOPMed 0.00737; ESP Exome Variant Server 0.00753.
gnomAD v4.1: 2,028 of 1,614,082 alleles (0.13%); highest among the groups gnomAD compares: African/African-American, 2.3%; 21 homozygotes.

Submissions (8):

Labcorp Genetics (formerly Invitae), Labcorp
Classification: Benign. Last evaluated: 2026-02-01. Review status: criteria provided, single submitter. Criteria: Invitae Variant Classification Sherloc (09022015). Collection method: clinical testing. Allele origin: germline.

Mayo Clinic Laboratories, Mayo Clinic
Classification: Likely benign. Last evaluated: 2024-10-09. Review status: criteria provided, single submitter. Criteria: ACMG Guidelines, 2015. Collection method: clinical testing. Allele origin: germline. Observed: 7 variant alleles.
Comment: BS1, BP4, BP7

Women's Health and Genetics/Laboratory Corporation of America, LabCorp
Classification: Likely benign. Last evaluated: 2023-07-18. Review status: criteria provided, single submitter. Criteria: LabCorp Variant Classification Summary - May 2015. Collection method: clinical testing. Allele origin: germline.

GeneDx
Classification: Likely benign. Last evaluated: 2021-06-22. Review status: criteria provided, single submitter. Criteria: GeneDx Variant Classification Process June 2021. Collection method: clinical testing. Allele origin: germline. Affected: yes.

Ambry Genetics
Classification: Likely benign for Cardiovascular phenotype. Last evaluated: 2021-01-11. Review status: criteria provided, single submitter. Criteria: Ambry Variant Classification Scheme 2023. Collection method: clinical testing. Allele origin: germline.

Genetic Services Laboratory, University of Chicago
Classification: Benign. Last evaluated: 2019-10-24. Review status: criteria provided, single submitter. Criteria: ACMG Guidelines, 2015. Collection method: clinical testing. Allele origin: germline. Affected: no.

Illumina Laboratory Services, Illumina
Classification: Benign for Sitosterolemia 1. Last evaluated: 2018-01-13. Review status: criteria provided, single submitter. Criteria: ICSL Variant Classification Criteria 13 December 2019. Collection method: clinical testing. Allele origin: germline.
Comment: This variant was observed in the ICSL laboratory as part of a predisposition screen in an ostensibly healthy population. It had not been previously curated by ICSL or reported in the Human Gene Mutation Database (HGMD: prior to June 1st, 2018), and was therefore a candidate for classification through an automated scoring system. Utilizing variant allele frequency, disease prevalence and penetrance estimates, and inheritance mode, an automated score was calculated to assess if this variant is too frequent to cause the disease. Based on the score and internal cut-off values, a variant classified as benign is not then subjected to further curation. The score for this variant resulted in a classification of benign for this disease.

Breakthrough Genomics
Classification: Likely benign. Review status: criteria provided, single submitter. Criteria: ACMG Guidelines, 2015. Collection method: not provided. Allele origin: germline. Inheritance: Autosomal recessive inheritance. Affected: yes.

Literature cited by the submitters: PubMed 32088153 (cited by Mayo Clinic Laboratories, Mayo Clinic).

NM_022437.3(ABCG8):c.1365C>T (p.Ile455=)

Gene: ABCG8 (ATP binding cassette subfamily G member 8; plus strand). Cytogenetic location: 2p21.
Variant type: single nucleotide variant.
Coding change: c.1365C>T on transcript NM_022437.3 (MANE Select); coding-DNA position 1365, C replaced by T.
Protein change: p.Ile455=; no amino-acid change (isoleucine 455 retained).
Molecular consequence: synonymous variant.
Genome position (GRCh38, 1-based): chr2:43,873,940, C>T. VCF-style: chr2-43873940-C-T. GRCh37 (hg19) VCF-style: chr2-44101079-C-T.
Other names: p.Ile455=; c.1362C>T, p.Ile454= (NM_001357321.2).
Identifiers: ClinVar variation 784634 (VCV000784634.24), dbSNP rs115227860, ClinGen allele CA1637414.
Genomic context (GRCh38, chr2:43,873,940, plus strand): 5'-TTTTGGCCATGGGAGCATCCAGCTCTCCTTCATGGATACAGCCGCCCTCTTGTTCATGAT[C>T]GGTGCTCTCATCCCTTTCAACGTCATTCTGGATGTCATCTCCAAATGTGAGTGTGGCCCA-3'
Protein context (NP_071882.1, residues 445-465): FMDTAALLFM[Ile455=]GALIPFNVIL